The following is an entry in ClinVar:

NM_002161.6(IARS1):c.1475G>A (p.Gly492Glu)

Gene: IARS1 (isoleucyl-tRNA synthetase 1; minus strand). Cytogenetic location: 9q22.31.
Variant type: single nucleotide variant.
Coding change: c.1475G>A on transcript NM_002161.6 (MANE Select); coding-DNA position 1475, G replaced by A.
Protein change: p.Gly492Glu; replaces glycine 492 with glutamic acid.
Molecular consequence: missense variant. On other transcripts: non-coding transcript variant (1).
Genome position (GRCh38, 1-based): chr9:92,265,510, C>T on the plus strand (G>A on the coding strand, the complement: IARS1 is on the minus strand). VCF-style: chr9-92265510-C-T. GRCh37 (hg19) VCF-style: chr9-95027792-C-T.
Other names: c.1475G>A, p.Gly492Glu (NM_001374299.1, NM_001374300.1, NM_001374301.1 and 14 more transcripts); c.1538G>A, p.Gly513Glu (NM_001378569.1); c.1496G>A, p.Gly499Glu (NM_001378571.1); c.1352G>A, p.Gly451Glu (NM_001378583.1); c.1475G>A (NM_013417.2); short protein forms G499E, G451E, G513E, G492E.
Identifiers: ClinVar variation 1930546 (VCV001930546.6), dbSNP rs747555444, ClinGen allele CA5122607.

ClinVar aggregate classification (germline): Uncertain significance. Review status: criteria provided, multiple submitters, no conflicts (2 of 4 stars). 2 submissions from 2 submitters: Uncertain significance (2). Last evaluated 2025-12-01.

Allele frequency attached by ClinVar (database versions not stated): gnomAD exomes 0.00002; TOPMed 0.00002; gnomAD 0.00003; ExAC 0.00004.
gnomAD v4.1: 29 of 1,613,400 alleles (0.0018%); highest among the groups gnomAD compares: South Asian, 0.0044%; no homozygotes.

Submissions (2):

Labcorp Genetics (formerly Invitae), Labcorp
Classification: Uncertain significance. Last evaluated: 2025-12-01. Review status: criteria provided, single submitter. Criteria: Invitae Variant Classification Sherloc (09022015). Collection method: clinical testing. Allele origin: germline.
Comment: This sequence change replaces glycine, which is neutral and non-polar, with glutamic acid, which is acidic and polar, at codon 492 of the IARS protein (p.Gly492Glu). This variant is present in population databases (rs747555444, gnomAD 0.006%). This variant has not been reported in the literature in individuals affected with IARS-related conditions. ClinVar contains an entry for this variant (Variation ID: 1930546). An algorithm developed to predict the effect of missense changes on protein structure and function (PolyPhen-2) suggests that this variant is likely to be disruptive. In summary, the available evidence is currently insufficient to determine the role of this variant in disease. Therefore, it has been classified as a Variant of Uncertain Significance.

Ambry Genetics
Classification: Uncertain significance. Last evaluated: 2020-11-04. Review status: criteria provided, single submitter. Criteria: Ambry Variant Classification Scheme 2023. Collection method: clinical testing. Allele origin: germline.
Comment: The c.1475G>A (p.G492E) alteration is located in exon 15 (coding exon 14) of the IARS gene. This alteration results from a G to A substitution at nucleotide position 1475, causing the glycine (G) at amino acid position 492 to be replaced by a glutamic acid (E). Based on data from the Genome Aggregation Database (gnomAD) database, the IARS c.1475G>A alteration was observed in 0.0028% (8/282476) of total alleles studied, with a frequency of 0.006% (8/128904) in the European (non-Finnish) subpopulation. This amino acid position is highly conserved in available vertebrate species. The in silico prediction for the p.G492E alteration is inconclusive. Based on insufficient or conflicting evidence, the clinical significance of this alteration remains unclear.